The following is an entry in ClinVar:

NM_005876.5(SPEG):c.919G>A (p.Ala307Thr)

Gene: SPEG (striated muscle enriched protein kinase; plus strand). Cytogenetic location: 2q35.
Variant type: single nucleotide variant.
Coding change: c.919G>A on transcript NM_005876.5 (MANE Select); coding-DNA position 919, G replaced by A.
Protein change: p.Ala307Thr; replaces alanine 307 with threonine.
Molecular consequence: missense variant.
Genome position (GRCh38, 1-based): chr2:219,448,077, G>A. VCF-style: chr2-219448077-G-A. GRCh37 (hg19) VCF-style: chr2-220312799-G-A.
Other names: short protein forms A307T.
Identifiers: ClinVar variation 2990683 (VCV002990683.3), dbSNP rs1411322336, ClinGen allele CA350716261.

ClinVar aggregate classification (germline): Uncertain significance (1 of 4 stars; one submission).

Allele frequency attached by ClinVar (database versions not stated): gnomAD exomes 0.00001.
gnomAD v4.1: 10 of 1,608,592 alleles (0.00062%); highest among the groups gnomAD compares: Non-Finnish European, 0.00085%; no homozygotes.

Submission:

Labcorp Genetics (formerly Invitae), Labcorp
Classification: Uncertain significance. Last evaluated: 2024-01-19. Review status: criteria provided, single submitter. Criteria: Invitae Variant Classification Sherloc (09022015). Collection method: clinical testing. Allele origin: germline.
Comment: This sequence change replaces alanine, which is neutral and non-polar, with threonine, which is neutral and polar, at codon 307 of the SPEG protein (p.Ala307Thr). The frequency data for this variant in the population databases is considered unreliable, as metrics indicate poor data quality at this position in the gnomAD database. This variant has not been reported in the literature in individuals affected with SPEG-related conditions. An algorithm developed to predict the effect of missense changes on protein structure and function (PolyPhen-2) suggests that this variant is likely to be tolerated. In summary, the available evidence is currently insufficient to determine the role of this variant in disease. Therefore, it has been classified as a Variant of Uncertain Significance.